The following is an entry in ClinVar:

NM_000218.3(KCNQ1):c.862G>A (p.Val288Met)

Gene: KCNQ1 (potassium voltage-gated channel subfamily Q member 1; plus strand). Cytogenetic location: 11p15.5.
Variant type: single nucleotide variant.
Coding change: c.862G>A on transcript NM_000218.3 (MANE Select); coding-DNA position 862, G replaced by A.
Protein change: p.Val288Met; replaces valine 288 with methionine.
Molecular consequence: missense variant.
Genome position (GRCh38, 1-based): chr11:2,572,927, G>A. VCF-style: chr11-2572927-G-A. GRCh37 (hg19) VCF-style: chr11-2594157-G-A.
Other names: c.862G>A, p.Val288Met (NM_001406836.1); c.592G>A, p.Val198Met (NM_001406837.1); c.481G>A, p.Val161Met (NM_181798.2); short protein forms V161M, V288M, V198M.
Identifiers: ClinVar variation 452888 (VCV000452888.10), dbSNP rs946704016, ClinGen allele CA379131556.

ClinVar aggregate classification (germline): Uncertain significance. Review status: criteria provided, multiple submitters, no conflicts (2 of 4 stars). 3 submissions from 3 submitters: Uncertain significance (3). Last evaluated 2025-11-17.

Conditions:
Cardiac arrhythmia. Also called: Cardiac rhythm disease; Arrhythmia. Identifiers: MedGen C0003811, MONDO:0007263, HP:0011675.
Long QT syndrome (LQTS). Identifiers: MedGen C0023976, MeSH D008133, MONDO:0002442. Disease mechanism: loss of function. Inheritance: Various modes of inheritance.

gnomAD v4.1: 3 of 1,613,816 alleles (0.00019%); highest among the groups gnomAD compares: Non-Finnish European, 0.00017%; no homozygotes.

Submissions (3):

Labcorp Genetics (formerly Invitae), Labcorp
Classification: Uncertain significance for Long QT syndrome. Last evaluated: 2025-11-17. Review status: criteria provided, single submitter. Criteria: Invitae Variant Classification Sherloc (09022015). Collection method: clinical testing. Allele origin: germline.
Comment: This sequence change replaces valine, which is neutral and non-polar, with methionine, which is neutral and non-polar, at codon 288 of the KCNQ1 protein (p.Val288Met). This variant is not present in population databases (gnomAD no frequency). This variant has not been reported in the literature in individuals affected with KCNQ1-related conditions. ClinVar contains an entry for this variant (Variation ID: 452888). Invitae Evidence Modeling of protein sequence and biophysical properties (such as structural, functional, and spatial information, amino acid conservation, physicochemical variation, residue mobility, and thermodynamic stability) has been performed for this missense variant. However, the output from this modeling did not meet the statistical confidence thresholds required to predict the impact of this variant on KCNQ1 protein function. In summary, the available evidence is currently insufficient to determine the role of this variant in disease. Therefore, it has been classified as a Variant of Uncertain Significance.

Color Diagnostics, LLC DBA Color Health
Classification: Uncertain significance for Cardiac arrhythmia. Last evaluated: 2020-12-09. Review status: criteria provided, single submitter. Criteria: ACMG Guidelines, 2015. Collection method: clinical testing. Allele origin: germline.
Comment: This missense variant replaces valine with methionine at codon 288 of the KCNQ1 protein. Computational prediction is inconclusive regarding the impact of this variant on protein structure and function (internally defined REVEL score threshold 0.5 < inconclusive < 0.7, PMID: 27666373). To our knowledge, functional studies have not been reported for this variant. This variant has not been reported in individuals affected with cardiovascular disorders in the literature. This variant has not been identified in the general population by the Genome Aggregation Database (gnomAD). The available evidence is insufficient to determine the role of this variant in disease conclusively. Therefore, this variant is classified as a Variant of Uncertain Significance.

GeneDx
Classification: Uncertain significance. Last evaluated: 2020-11-16. Review status: criteria provided, single submitter. Criteria: GeneDx Variant Classification Process June 2021. Collection method: clinical testing. Allele origin: germline. Affected: yes.
Comment: Not observed in large population cohorts (Lek et al., 2016); In silico analysis supports that this missense variant does not alter protein structure/function; Has not been previously published as pathogenic or benign to our knowledge